The following is an entry in ClinVar:

NM_004463.3(FGD1):c.497G>C (p.Ser166Thr)

Gene: FGD1 (FYVE, RhoGEF and PH domain containing 1; minus strand). Cytogenetic location: Xp11.22.
Variant type: single nucleotide variant.
Coding change: c.497G>C on transcript NM_004463.3 (MANE Select); coding-DNA position 497, G replaced by C.
Protein change: p.Ser166Thr; replaces serine 166 with threonine.
Molecular consequence: missense variant.
Genome position (GRCh38, 1-based): chrX:54,470,745, C>G on the plus strand (G>C on the coding strand, the complement: FGD1 is on the minus strand). VCF-style: chrX-54470745-C-G. GRCh37 (hg19) VCF-style: chrX-54497178-C-G.
Other names: short protein forms S166T.
Identifiers: ClinVar variation 1810503 (VCV001810503.1), dbSNP rs2522716304, ClinGen allele CA413249622.
Genomic context (GRCh38, chrX:54,470,745, plus strand): 5'-CGTGATGGTGGAGGGGGGATGGGCTCCAGTGGGGGGGGCATCCGGGGCATCTGCAGGTAG[C>G]TGGGCTTTGGGGGCACTGGAGAGACGAATGGGGAAGAGAGAAGGGAGACATCAGTGAGCT-3'
Protein context (NP_004454.2, residues 156-176): GPKPQVPPKP[Ser166Thr]YLQMPRMPPP

ClinVar aggregate classification (germline): Uncertain significance (1 of 4 stars; one submission).

Submission:

GeneDx
Classification: Uncertain significance. Last evaluated: 2022-07-06. Review status: criteria provided, single submitter. Criteria: GeneDx Variant Classification Process June 2021. Collection method: clinical testing. Allele origin: germline. Affected: yes.
Comment: Not observed at significant frequency in large population cohorts (gnomAD); In silico analysis supports that this missense variant does not alter protein structure/function; Has not been previously published as pathogenic or benign to our knowledge